The following is an entry in ClinVar:

ClinVar aggregate classification (germline): Pathogenic/Likely pathogenic. Review status: criteria provided, multiple submitters, no conflicts (2 of 4 stars). 5 submissions from 5 submitters: Pathogenic (3); Likely pathogenic (2). Last evaluated 2025-07-23.

Conditions:
Inborn genetic diseases. Identifiers: MedGen C0950123, MeSH D030342.
Autosomal recessive Parkinson disease 14. Also called: DYSTONIA-PARKINSONISM, ADULT-ONSET; PARKINSON DISEASE 14. Identifiers: Orphanet 199351, MedGen C2751842, MONDO:0013060, OMIM 612953.
Infantile neuroaxonal dystrophy (NBIA2A). Also called: Infantile neuroaxonal dystrophy 1; SEITELBERGER DISEASE; NEURODEGENERATION WITH BRAIN IRON ACCUMULATION 2A. Identifiers: Orphanet 35069, MedGen C0270724, MONDO:0024457, OMIM 256600.
Neurodegeneration with brain iron accumulation 2B. Also called: NEUROAXONAL DYSTROPHY, ATYPICAL; NEURODEGENERATION WITH BRAIN IRON ACCUMULATION, PLA2G6-RELATED; aNAD; atypical Neuroaxonal Dystrophy (aNAD). Identifiers: Orphanet 35069, MedGen C1857747, MONDO:0012444, OMIM 610217.
Iron accumulation in brain. Identifiers: MedGen C4021076, HP:0012675.

Allele frequency attached by ClinVar (database versions not stated): TOPMed below 0.00001.
gnomAD v4.1: 2 of 1,614,082 alleles (0.00012%); no homozygotes.

Submissions (5):

Ambry Genetics
Classification: Pathogenic for Inborn genetic diseases. Last evaluated: 2025-07-23. Review status: criteria provided, single submitter. Criteria: Ambry Variant Classification Scheme 2023. Collection method: clinical testing. Allele origin: germline.
Comment: The c.1117G>A (p.G373R) alteration is located in exon 8 (coding exon 7) of the PLA2G6 gene. This alteration results from a G to A substitution at nucleotide position 1117, causing the glycine (G) at amino acid position 373 to be replaced by an arginine (R). This variant was not reported in population-based cohorts in the Genome Aggregation Database (gnomAD). This variant has been identified in the homozygous state and/or in conjunction with other PLA2G6 variant(s) in individual(s) with features consistent with PLA2G6-associated neurodegeneration; in at least one instance, the variants were identified in trans (Wu, 2009; Zhang, 2013; Chen, 2018; Cheng, 2022). This amino acid position is highly conserved in available vertebrate species. This alteration is predicted to be deleterious by in silico analysis. Based on the available evidence, this alteration is classified as pathogenic.

Fulgent Genetics
Classification: Likely pathogenic for Infantile neuroaxonal dystrophy; Neurodegeneration with brain iron accumulation 2B; Autosomal recessive Parkinson disease 14. Last evaluated: 2024-04-16. Review status: criteria provided, single submitter. Criteria: ACMG Guidelines, 2015. Collection method: clinical testing. Allele origin: germline.

Labcorp Genetics (formerly Invitae), Labcorp
Classification: Pathogenic for Infantile neuroaxonal dystrophy. Last evaluated: 2018-11-26. Review status: criteria provided, single submitter. Criteria: Invitae Variant Classification Sherloc (09022015). Collection method: clinical testing. Allele origin: germline.
Comment: A mouse model generated by a mutagen that randomly induces point mutations throughout the genome has shown that this missense change results in a significant reduction in calcium responses to ATP in astrocytes (PMID: 19893029, 20947703, 22442204). However, the possibility that there are additional mutations in the neighboring genes of PLA2G6 could not be formally excluded. Algorithms developed to predict the effect of sequence changes on RNA splicing suggest that this variant may create or strengthen a splice site, but this prediction has not been confirmed by published transcriptional studies. For these reasons, this variant has been classified as Pathogenic. This sequence change replaces glycine with arginine at codon 373 of the PLA2G6 protein (p.Gly373Arg). The glycine residue is highly conserved and there is a moderate physicochemical difference between glycine and arginine. This variant has been reported as either homozygous or in combination with another PLA2G6 variant in individuals affected with infantile neuroaxonal dystrophy or late-onset PLA2G6-associated neurodegeneration (PMID: 19138334, 22934738, 25326637) and segregated with this condition in a family (Invitae external communication). ClinVar contains an entry for this variant (Variation ID: 159728). This variant is not present in population databases (ExAC no frequency).

UCLA Clinical Genomics Center, UCLA
Classification: Pathogenic for Infantile neuroaxonal dystrophy. Last evaluated: 2014-07-15. Review status: criteria provided, single submitter. Criteria: Lee et al. (JAMA. 2014). Collection method: clinical testing. Allele origin: germline. Inheritance: Autosomal recessive inheritance. Affected: yes. Study: CES.

Genetic Services Laboratory, University of Chicago
Classification: Likely pathogenic for iron accumulation in brain. Last evaluated: 2013-02-08. Review status: criteria provided, single submitter. Criteria: ACMG Guidelines, 2007. Collection method: clinical testing. Allele origin: germline. Inheritance: Autosomal recessive inheritance. Affected: yes.

Literature cited by the submitters: PubMed 19138334 (cited by Ambry Genetics and Labcorp Genetics (formerly Invitae), Labcorp); PubMed 22934738 (cited by Ambry Genetics and Labcorp Genetics (formerly Invitae), Labcorp); PubMed 29454663 (cited by Ambry Genetics); PubMed 35624904 (cited by Ambry Genetics); PubMed 19893029 (cited by Labcorp Genetics (formerly Invitae), Labcorp); PubMed 20947703 (cited by Labcorp Genetics (formerly Invitae), Labcorp); PubMed 22442204 (cited by Labcorp Genetics (formerly Invitae), Labcorp); PubMed 25326637 (cited by Labcorp Genetics (formerly Invitae), Labcorp).

NM_003560.4(PLA2G6):c.1117G>A (p.Gly373Arg)

Gene: PLA2G6 (phospholipase A2 group VI; minus strand). Cytogenetic location: 22q13.1.
Variant type: single nucleotide variant.
Coding change: c.1117G>A on transcript NM_003560.4 (MANE Select); coding-DNA position 1117, G replaced by A.
Protein change: p.Gly373Arg; replaces glycine 373 with arginine.
Molecular consequence: missense variant.
Genome position (GRCh38, 1-based): chr22:38,129,523, C>T on the plus strand (G>A on the coding strand, the complement: PLA2G6 is on the minus strand). VCF-style: chr22-38129523-C-T. GRCh37 (hg19) VCF-style: chr22-38525530-C-T.
Other names: c.1117G>A, p.Gly373Arg (NM_001004426.3, NM_001199562.3, NM_001349864.2 and 2 more transcripts); c.583G>A, p.Gly195Arg (NM_001349867.2, NM_001349869.2); c.439G>A, p.Gly147Arg (NM_001349868.2); short protein forms G373R, G195R, G147R.
Identifiers: ClinVar variation 159728 (VCV000159728.20), dbSNP rs587784327, ClinGen allele CA173200.
Genomic context (GRCh38, chr22:38,129,523, plus strand): 5'-TTTTGGAGGCTAGGAATGTAGGAGTCTCCCCAAAGTCATTCGGGGTGTCCACTTCTGCTC[C>T]GAACACGATGAGGGCCTTGATCATCTCCACGTTGTCTTTCTGTTGGAGATGGAGAGAGGA-3'
Protein context (NP_003551.2, residues 363-383): VEMIKALIVF[Gly373Arg]AEVDTPNDFG